The following is an entry in ClinVar:

ClinVar aggregate classification (germline): Uncertain significance. Review status: criteria provided, multiple submitters, no conflicts (2 of 4 stars). 2 submissions from 2 submitters: Uncertain significance (2). Last evaluated 2022-11-01.

Conditions:
Walker-Warburg congenital muscular dystrophy. Also called: Muscular dystrophy-dystroglycanopathy, type A; Walker-Warburg syndrome. Identifiers: Orphanet 899, MedGen C0265221, MONDO:0000171.
Autosomal recessive limb-girdle muscular dystrophy type 2K. Also called: MUSCULAR DYSTROPHY, LIMB-GIRDLE, TYPE 2K; MUSCULAR DYSTROPHY-DYSTROGLYCANOPATHY (LIMB-GIRDLE), TYPE C, 1. Identifiers: Orphanet 86812, MedGen C1836373, MONDO:0012248, OMIM 609308.
Muscular dystrophy-dystroglycanopathy (congenital with impaired intellectual development), type B, 1. Also called: MUSCULAR DYSTROPHY, CONGENITAL, POMT1-RELATED; Muscular dystrophy-dystroglycanopathy (congenital with intellectual disability), type B1. Identifiers: MedGen C5436962, MONDO:0013159, OMIM 613155.
Inborn genetic diseases. Identifiers: MedGen C0950123, MeSH D030342.

Allele frequency attached by ClinVar (database versions not stated): gnomAD exomes 0.00001 and below 0.00001; TOPMed below 0.00001.

Submissions (2):

Labcorp Genetics (formerly Invitae), Labcorp
Classification: Uncertain significance for Muscular dystrophy-dystroglycanopathy (congenital with impaired intellectual development), type B, 1; Walker-Warburg congenital muscular dystrophy; Autosomal recessive limb-girdle muscular dystrophy type 2K. Last evaluated: 2022-11-01. Review status: criteria provided, single submitter. Criteria: Invitae Variant Classification Sherloc (09022015). Collection method: clinical testing. Allele origin: germline.
Comment: This variant has not been reported in the literature in individuals affected with POMT1-related conditions. This variant is present in population databases (no rsID available, gnomAD 0.003%). This sequence change replaces proline, which is neutral and non-polar, with serine, which is neutral and polar, at codon 368 of the POMT1 protein (p.Pro368Ser). ClinVar contains an entry for this variant (Variation ID: 859872). In summary, the available evidence is currently insufficient to determine the role of this variant in disease. Therefore, it has been classified as a Variant of Uncertain Significance. Advanced modeling of protein sequence and biophysical properties (such as structural, functional, and spatial information, amino acid conservation, physicochemical variation, residue mobility, and thermodynamic stability) performed at Invitae indicates that this missense variant is not expected to disrupt POMT1 protein function.

Ambry Genetics
Classification: Uncertain significance for Inborn genetic diseases. Last evaluated: 2022-08-08. Review status: criteria provided, single submitter. Criteria: Ambry Variant Classification Scheme 2023. Collection method: clinical testing. Allele origin: germline.

NM_001077365.2(POMT1):c.1036C>T (p.Pro346Ser)

Gene: POMT1 (protein O-mannosyltransferase 1; plus strand). Cytogenetic location: 9q34.13.
Variant type: single nucleotide variant.
Coding change: c.1036C>T on transcript NM_001077365.2 (MANE Select); coding-DNA position 1036, C replaced by T.
Protein change: p.Pro346Ser; replaces proline 346 with serine.
Molecular consequence: missense variant. On other transcripts: non-coding transcript variant (10), intron variant (1).
Genome position (GRCh38, 1-based): chr9:131,512,090, C>T. VCF-style: chr9-131512090-C-T. GRCh37 (hg19) VCF-style: chr9-134387477-C-T.
Other names: c.874C>T, p.Pro292Ser (NM_001077366.2, NM_001353194.2); c.1036C>T, p.Pro346Ser (NM_001136113.2, NM_001374690.1); c.685C>T, p.Pro229Ser (NM_001136114.2, NM_001353195.2, NM_001374691.1 and 1 more transcripts); c.1102C>T, p.Pro368Ser (NM_001353193.2, NM_007171.4); c.946C>T, p.Pro316Ser (NM_001353196.2); c.940C>T, p.Pro314Ser (NM_001353197.2, NM_001353198.2); c.751C>T, p.Pro251Ser (NM_001353199.2); c.580C>T, p.Pro194Ser (NM_001353200.2); and 3 more; short protein forms P346S, P251S, P314S, P194S, P216S, P229S, P292S, P316S.
Identifiers: ClinVar variation 859872 (VCV000859872.9), dbSNP rs1353274622, ClinGen allele CA375308854.